The following is an entry in ClinVar:

NM_001605.3(AARS1):c.377T>C (p.Phe126Ser)

Gene: AARS1 (alanyl-tRNA synthetase 1; minus strand). Cytogenetic location: 16q22.1.
Variant type: single nucleotide variant.
Coding change: c.377T>C on transcript NM_001605.3 (MANE Select); coding-DNA position 377, T replaced by C.
Protein change: p.Phe126Ser; replaces phenylalanine 126 with serine.
Molecular consequence: missense variant.
Genome position (GRCh38, 1-based): chr16:70,276,588, A>G on the plus strand (T>C on the coding strand, the complement: AARS1 is on the minus strand). VCF-style: chr16-70276588-A-G. GRCh37 (hg19) VCF-style: chr16-70310491-A-G.
Other names: short protein forms F126S.
Identifiers: ClinVar variation 2727896 (VCV002727896.3), dbSNP rs2507028681, ClinGen allele CA396569006.
Genomic context (GRCh38, chr16:70,276,588, plus strand): 5'-AAGCCAGCTGCTTCATCCCCGCCAAAGTAAGTAACATAAAGTCTTTCAATGGGAATGCCA[A>G]ACTCTTGGGTGAGGAGTTCCAGAGCCATCTTACATGCCAATTCCTACAAAAAGAACAGAG-3'
Protein context (NP_001596.2, residues 116-136): KMALELLTQE[Phe126Ser]GIPIERLYVT

ClinVar aggregate classification (germline): Uncertain significance (1 of 4 stars; one submission).

Conditions:
Charcot-Marie-Tooth disease type 2. Also called: Charcot-Marie-Tooth type 2. Identifiers: Orphanet 64746, MedGen C0270914, MONDO:0018993.

gnomAD v4.1: 1 of 1,614,116 alleles (0.000062%); no homozygotes.

Submission:

Labcorp Genetics (formerly Invitae), Labcorp
Classification: Uncertain significance for Charcot-Marie-Tooth disease type 2. Last evaluated: 2024-09-23. Review status: criteria provided, single submitter. Criteria: Invitae Variant Classification Sherloc (09022015). Collection method: clinical testing. Allele origin: germline.
Comment: This sequence change replaces phenylalanine, which is neutral and non-polar, with serine, which is neutral and polar, at codon 126 of the AARS protein (p.Phe126Ser). This variant is not present in population databases (gnomAD no frequency). This variant has not been reported in the literature in individuals affected with AARS-related conditions. Invitae Evidence Modeling of protein sequence and biophysical properties (such as structural, functional, and spatial information, amino acid conservation, physicochemical variation, residue mobility, and thermodynamic stability) has been performed for this missense variant. However, the output from this modeling did not meet the statistical confidence thresholds required to predict the impact of this variant on AARS protein function. In summary, the available evidence is currently insufficient to determine the role of this variant in disease. Therefore, it has been classified as a Variant of Uncertain Significance.